The following is an entry in ClinVar:

ClinVar aggregate classification (germline): Uncertain significance. Review status: criteria provided, multiple submitters, no conflicts (2 of 4 stars). 3 submissions from 3 submitters: Uncertain significance (3). Last evaluated 2023-11-27.

Allele frequency attached by ClinVar (database versions not stated): 1000 Genomes Project 30x 0.00094; ESP Exome Variant Server 0.00023; gnomAD exomes 0.00033 and 0.00057; ExAC 0.00056; gnomAD 0.00071 and 0.00074; TOPMed 0.00077; 1000 Genomes Project 0.00080.
gnomAD v4.1: 611 of 1,613,624 alleles (0.038%); highest among the groups gnomAD compares: Middle Eastern, 0.38%; no homozygotes.

Submissions (3):

Labcorp Genetics (formerly Invitae), Labcorp
Classification: Uncertain significance. Last evaluated: 2023-11-27. Review status: criteria provided, single submitter. Criteria: Invitae Variant Classification Sherloc (09022015). Collection method: clinical testing. Allele origin: germline.
Comment: This sequence change replaces isoleucine, which is neutral and non-polar, with threonine, which is neutral and polar, at codon 1562 of the CELSR2 protein (p.Ile1562Thr). This variant is present in population databases (rs202022169, gnomAD 0.2%), and has an allele count higher than expected for a pathogenic variant. This variant has not been reported in the literature in individuals affected with CELSR2-related conditions. ClinVar contains an entry for this variant (Variation ID: 424909). Advanced modeling of protein sequence and biophysical properties (such as structural, functional, and spatial information, amino acid conservation, physicochemical variation, residue mobility, and thermodynamic stability) performed at Invitae indicates that this missense variant is expected to disrupt CELSR2 protein function with a positive predictive value of 80%. In summary, the available evidence is currently insufficient to determine the role of this variant in disease. Therefore, it has been classified as a Variant of Uncertain Significance.

CeGaT Center for Human Genetics Tuebingen
Classification: Uncertain significance. Last evaluated: 2016-12-01. Review status: criteria provided, single submitter. Criteria: CeGaT Center For Human Genetics Tuebingen Variant Classification Criteria Version 2. Collection method: clinical testing. Allele origin: germline. Affected: yes. Observed: 1 variant allele.

Breakthrough Genomics
Classification: Uncertain significance. Review status: criteria provided, single submitter. Criteria: ACMG Guidelines, 2015. Collection method: not provided. Allele origin: germline. Inheritance: Unknown mechanism. Affected: yes.

NM_001408.3(CELSR2):c.4685T>C (p.Ile1562Thr)

Gene: CELSR2 (cadherin EGF LAG seven-pass G-type receptor 2; plus strand). Cytogenetic location: 1p13.3.
Variant type: single nucleotide variant.
Coding change: c.4685T>C on transcript NM_001408.3 (MANE Select); coding-DNA position 4685, T replaced by C.
Protein change: p.Ile1562Thr; replaces isoleucine 1562 with threonine.
Molecular consequence: missense variant.
Genome position (GRCh38, 1-based): chr1:109,262,946, T>C. VCF-style: chr1-109262946-T-C. GRCh37 (hg19) VCF-style: chr1-109805568-T-C.
Other names: short protein forms I1562T.
Identifiers: ClinVar variation 424909 (VCV000424909.49), dbSNP rs202022169, ClinGen allele CA987290.